The following is an entry in ClinVar:

NM_000238.4(KCNH2):c.2702A>G (p.Gln901Arg)

Gene: KCNH2 (potassium voltage-gated channel subfamily H member 2; minus strand). Cytogenetic location: 7q36.1.
Variant type: single nucleotide variant.
Coding change: c.2702A>G on transcript NM_000238.4 (MANE Select); coding-DNA position 2702, A replaced by G.
Protein change: p.Gln901Arg; replaces glutamine 901 with arginine.
Molecular consequence: missense variant.
Genome position (GRCh38, 1-based): chr7:150,947,869, T>C on the plus strand (A>G on the coding strand, the complement: KCNH2 is on the minus strand). VCF-style: chr7-150947869-T-C. GRCh37 (hg19) VCF-style: chr7-150644957-T-C.
Other names: c.1682A>G, p.Gln561Arg (NM_172057.3); short protein forms Q901R, Q561R.
Identifiers: ClinVar variation 851829 (VCV000851829.9), dbSNP rs1800975753, ClinGen allele CA369853555.

ClinVar aggregate classification (germline): Uncertain significance (1 of 4 stars; one submission).

Conditions:
Long QT syndrome (LQTS). Identifiers: MedGen C0023976, MeSH D008133, MONDO:0002442. Disease mechanism: loss of function. Inheritance: Various modes of inheritance.

Submission:

Labcorp Genetics (formerly Invitae), Labcorp
Classification: Uncertain significance for Long QT syndrome. Last evaluated: 2019-02-13. Review status: criteria provided, single submitter. Criteria: Invitae Variant Classification Sherloc (09022015). Collection method: clinical testing. Allele origin: germline.
Comment: In summary, the available evidence is currently insufficient to determine the role of this variant in disease. Therefore, it has been classified as a Variant of Uncertain Significance. Algorithms developed to predict the effect of missense changes on protein structure and function (SIFT, PolyPhen-2, Align-GVGD) all suggest that this variant is likely to be tolerated, but these predictions have not been confirmed by published functional studies and their clinical significance is uncertain. This variant has not been reported in the literature in individuals with KCNH2-related conditions. The frequency data for this variant in the population databases is considered unreliable, as metrics indicate insufficient coverage at this position in the ExAC database. This sequence change replaces glutamine with arginine at codon 901 of the KCNH2 protein (p.Gln901Arg). The glutamine residue is weakly conserved and there is a small physicochemical difference between glutamine and arginine.